The following is an entry in ClinVar:

NM_003060.4(SLC22A5):c.971A>G (p.Lys324Arg)

Gene: SLC22A5 (solute carrier family 22 member 5; plus strand). Cytogenetic location: 5q31.1.
Variant type: single nucleotide variant.
Coding change: c.971A>G on transcript NM_003060.4 (MANE Select); coding-DNA position 971, A replaced by G.
Protein change: p.Lys324Arg; replaces lysine 324 with arginine.
Molecular consequence: missense variant.
Genome position (GRCh38, 1-based): chr5:132,388,940, A>G. VCF-style: chr5-132388940-A-G. GRCh37 (hg19) VCF-style: chr5-131724632-A-G.
Other names: c.1043A>G, p.Lys348Arg (NM_001308122.2); short protein forms K348R, K324R.
Identifiers: ClinVar variation 1967238 (VCV001967238.4), dbSNP rs2532129537, ClinGen allele CA360806088.

ClinVar aggregate classification (germline): Uncertain significance. Review status: criteria provided, multiple submitters, no conflicts (2 of 4 stars). 2 submissions from 2 submitters: Uncertain significance (2). Last evaluated 2022-05-19.

Conditions:
Inborn genetic diseases. Identifiers: MedGen C0950123, MeSH D030342.
Renal carnitine transport defect (CDSP). Also called: Carnitine transporter deficiency; Carnitine Deficiency, Systemic; Systemic primary carnitine deficiency disease; Primary carnitine deficiency; CARNITINE DEFICIENCY, SYSTEMIC, DUE TO DEFECT IN RENAL REABSORPTION OF CARNITINE; CARNITINE TRANSPORTER, PLASMA-MEMBRANE, DEFICIENCY OF. Identifiers: Orphanet 158, MedGen C0342788, MONDO:0008919, OMIM 212140.

Allele frequency attached by ClinVar (database versions not stated): gnomAD exomes below 0.00001.

Submissions (2):

Labcorp Genetics (formerly Invitae), Labcorp
Classification: Uncertain significance for Renal carnitine transport defect. Last evaluated: 2022-05-19. Review status: criteria provided, single submitter. Criteria: Invitae Variant Classification Sherloc (09022015). Collection method: clinical testing. Allele origin: germline.
Comment: In summary, the available evidence is currently insufficient to determine the role of this variant in disease. Therefore, it has been classified as a Variant of Uncertain Significance. Advanced modeling of protein sequence and biophysical properties (such as structural, functional, and spatial information, amino acid conservation, physicochemical variation, residue mobility, and thermodynamic stability) performed at Invitae indicates that this missense variant is not expected to disrupt SLC22A5 protein function. This sequence change replaces lysine, which is basic and polar, with arginine, which is basic and polar, at codon 324 of the SLC22A5 protein (p.Lys324Arg). This variant is not present in population databases (gnomAD no frequency). This variant has not been reported in the literature in individuals affected with SLC22A5-related conditions.

Ambry Genetics
Classification: Uncertain significance for Inborn genetic diseases. Last evaluated: 2022-05-16. Review status: criteria provided, single submitter. Criteria: Ambry Variant Classification Scheme 2023. Collection method: clinical testing. Allele origin: germline.